The following is an entry in ClinVar:

NC_000002.11:g.(?_169776823)_(169792568_?)del

Gene: ABCB11 (ATP binding cassette subfamily B member 11; minus strand). Cytogenetic location: 2q31.1.
Variant type: Deletion.
Identifiers: ClinVar variation 3247518 (VCV003247518.1).

ClinVar aggregate classification (germline): Pathogenic (1 of 4 stars; one submission).

Submission:

Labcorp Genetics (formerly Invitae), Labcorp
Classification: Pathogenic. Last evaluated: 2019-07-16. Review status: criteria provided, single submitter. Criteria: Invitae Variant Classification Sherloc (09022015). Collection method: clinical testing. Allele origin: unknown.
Comment: For these reasons, this variant has been classified as Pathogenic. Sub-genic deletion of exons 27-28 has been determined to be pathogenic (Invitae). Therefore, complex rearrangements that fully encompass that region are also expected to be pathogenic. This variant has not been reported in the literature in individuals with ABCB11-related disease. This sequence change is a complex rearrangement involving fusion of intron 22 at c.2814+172 with inverted sequence from 3' untranslated region, beginning with c.*3309. It does not change the copy number of any exons. Although the exact nature of the event is unknown, it is likely that this is an inversion of exons 23-28.¬†While this change is not anticipated to result in nonsense mediated decay, it is expected to create a truncated protein product or disrupt mRNA translation.